The following is an entry in ClinVar:

NM_213599.3(ANO5):c.583C>A (p.Arg195=)

Gene: ANO5 (anoctamin 5; plus strand). Cytogenetic location: 11p14.3.
Variant type: single nucleotide variant.
Coding change: c.583C>A on transcript NM_213599.3 (MANE Select); coding-DNA position 583, C replaced by A.
Protein change: p.Arg195=; no amino-acid change (arginine 195 retained).
Molecular consequence: synonymous variant.
Genome position (GRCh38, 1-based): chr11:22,227,521, C>A. VCF-style: chr11-22227521-C-A. GRCh37 (hg19) VCF-style: chr11-22249067-C-A.
Other names: p.Arg195=; c.580C>A, p.Arg194= (NM_001142649.2); c.541C>A, p.Arg181= (NM_001410963.1, NM_001441298.1, NM_001441300.1); c.538C>A, p.Arg180= (NM_001410964.1, NM_001441299.1, NM_001441301.1); c.505C>A, p.Arg169= (NM_001441294.1); c.502C>A, p.Arg168= (NM_001441295.1); c.490C>A, p.Arg164= (NM_001441296.1, NM_001441302.1); c.463C>A, p.Arg155= (NM_001441297.1).
Identifiers: ClinVar variation 4683602 (VCV004683602.1).

ClinVar aggregate classification (germline): Likely benign (1 of 4 stars; one submission).

Submission:

Mayo Clinic Laboratories, Mayo Clinic
Classification: Likely benign. Last evaluated: 2024-11-22. Review status: criteria provided, single submitter. Criteria: ACMG Guidelines, 2015. Collection method: clinical testing. Allele origin: germline. Observed: 1 variant allele.
Comment: BP4, BP7